The following is an entry in ClinVar:

ClinVar aggregate classification (germline): Uncertain significance (1 of 4 stars; one submission).

Conditions:
Neuropathy, hereditary sensory and autonomic, type 1C. Also called: HSAN IC; HSN IC. Identifiers: Orphanet 36386, MedGen C3150896, MONDO:0013337, OMIM 613640.

Allele frequency attached by ClinVar (database versions not stated): TOPMed below 0.00001; gnomAD 0.00001.
gnomAD v4.1: 2 of 1,613,990 alleles (0.00012%); highest among the groups gnomAD compares: African/African-American, 0.0027%; no homozygotes.

Submission:

Labcorp Genetics (formerly Invitae), Labcorp
Classification: Uncertain significance for Neuropathy, hereditary sensory and autonomic, type 1C. Last evaluated: 2020-04-14. Review status: criteria provided, single submitter. Criteria: Invitae Variant Classification Sherloc (09022015). Collection method: clinical testing. Allele origin: germline.
Comment: This sequence change replaces histidine with arginine at codon 154 of the SPTLC2 protein (p.His154Arg). The histidine residue is moderately conserved and there is a small physicochemical difference between histidine and arginine. This variant is not present in population databases (ExAC no frequency). This variant has not been reported in the literature in individuals with SPTLC2-related conditions. Algorithms developed to predict the effect of missense changes on protein structure and function (SIFT, PolyPhen-2, Align-GVGD) all suggest that this variant is likely to be tolerated, but these predictions have not been confirmed by published functional studies and their clinical significance is uncertain. In summary, the available evidence is currently insufficient to determine the role of this variant in disease. Therefore, it has been classified as a Variant of Uncertain Significance.

NM_004863.4(SPTLC2):c.461A>G (p.His154Arg)

Gene: SPTLC2 (serine palmitoyltransferase long chain base subunit 2; minus strand). Cytogenetic location: 14q24.3.
Variant type: single nucleotide variant.
Coding change: c.461A>G on transcript NM_004863.4 (MANE Select); coding-DNA position 461, A replaced by G.
Protein change: p.His154Arg; replaces histidine 154 with arginine.
Molecular consequence: missense variant.
Genome position (GRCh38, 1-based): chr14:77,578,976, T>C on the plus strand (A>G on the coding strand, the complement: SPTLC2 is on the minus strand). VCF-style: chr14-77578976-T-C. GRCh37 (hg19) VCF-style: chr14-78045319-T-C.
Other names: short protein forms H154R.
Identifiers: ClinVar variation 1062048 (VCV001062048.9), dbSNP rs1426663035, ClinGen allele CA390700489.